The following is an entry in ClinVar:

NM_000037.4(ANK1):c.3151del (p.Val1051fs)

Gene: ANK1 (ankyrin 1; minus strand). Cytogenetic location: 8p11.21.
Variant type: Deletion.
Coding change: c.3151del on transcript NM_000037.4 (MANE Select); coding-DNA position 3151, one base deleted (G; older notation c.3151delG).
Protein change: p.Val1051fs; shifts the reading frame from valine 1051.
Molecular consequence: frameshift variant.
Genome position (GRCh38, 1-based): chr8:41,694,768, C deleted on the plus strand (G on the coding strand, the reverse complement: ANK1 is on the minus strand); the first of 3 consecutive C bases (chr8:41,694,768-41,694,770); deleting any one gives the same sequence. VCF-style (leftmost placement, unchanged base first): chr8-41694767-AC-A. GRCh37 (hg19) VCF-style: chr8-41552285-AC-A.
Other names: c.3274del, p.Val1092fs (NM_001142446.2); c.3151del, p.Val1051fs (NM_020475.3, NM_020476.3, NM_020477.3); short protein forms V1051fs, V1092fs.
Identifiers: ClinVar variation 2671641 (VCV002671641.1), dbSNP rs2486773436, ClinGen allele CA2695199673.

ClinVar aggregate classification (germline): Likely pathogenic (1 of 4 stars; one submission).

Conditions:
Hereditary spherocytosis type 1. Also called: Spherocytosis type 1; ANK1-Related Spherocytosis. Identifiers: Orphanet 822, MedGen C2674218, MONDO:0008447, OMIM 182900.

Submission:

Neuberg Centre For Genomic Medicine, NCGM
Classification: Likely pathogenic for Hereditary spherocytosis type 1. Last evaluated: 2023-02-14. Review status: criteria provided, single submitter. Criteria: ACMG Guidelines, 2015. Collection method: clinical testing. Allele origin: germline. Inheritance: Autosomal dominant inheritance. Affected: yes.
Comment: The frameshift variant c.3151del (p.Val1051CysfsTer14) in the ANK1 gene has not been reported previously as a pathogenic variant nor as a benign variant, to our knowledge. The variant is novel (not in any individuals) in gnomAD Exomes and 1000 Genomes. This variant causes a frameshift starting with codon Valine 1051, changes this amino acid to Cysteine residue, and creates a premature Stop codon at position 14 of the new reading frame. This variant is predicted to cause loss of normal protein function through protein truncation. Loss of function variants have been previously reported to be disease causing (Wang et al., 2023). For these reasons, this variant has been classified as Likely Pathogenic